The following is an entry in ClinVar:

NC_000003.11:g.(?_141102833)_(142184102_?)del

Genes: ATP1B3 (ATPase Na+/K+ transporting subunit beta 3; plus strand), ATR (ATR serine/threonine kinase; minus strand), GK5 (glycerol kinase 5; minus strand), GRK7 (G protein-coupled receptor kinase 7; plus strand), RASA2 (RAS p21 protein activator 2; plus strand) and 4 more. Cytogenetic location: 3q23.
Variant type: Deletion.
Identifiers: ClinVar variation 3247002 (VCV003247002.1).

ClinVar aggregate classification (germline): Uncertain significance (1 of 4 stars; one submission).

Submission:

Labcorp Genetics (formerly Invitae), Labcorp
Classification: Uncertain significance. Last evaluated: 2023-08-30. Review status: criteria provided, single submitter. Criteria: Invitae Variant Classification Sherloc (09022015). Collection method: clinical testing. Allele origin: unknown.
Comment: In summary, the available evidence is currently insufficient to determine the role of this variant in disease. Therefore, it has been classified as a Variant of Uncertain Significance. This variant has not been reported in the literature in individuals affected with RASA2-related conditions. A gross deletion of the genomic region encompassing the full coding sequence of the RASA2 gene has been identified. The current clinical and genetic evidence is not sufficient to establish whether loss-of-function variants in RASA2 cause disease. The boundaries of this event are unknown as they extend beyond the assayed region for this gene and therefore may encompass additional genes.